The following is an entry in ClinVar:

NM_001204.7(BMPR2):c.2051A>G (p.Asn684Ser)

Gene: BMPR2 (bone morphogenetic protein receptor type 2; plus strand). Cytogenetic location: 2q33.2.
Variant type: single nucleotide variant.
Coding change: c.2051A>G on transcript NM_001204.7 (MANE Select); coding-DNA position 2051, A replaced by G.
Protein change: p.Asn684Ser; replaces asparagine 684 with serine.
Molecular consequence: missense variant.
Genome position (GRCh38, 1-based): chr2:202,555,716, A>G. VCF-style: chr2-202555716-A-G. GRCh37 (hg19) VCF-style: chr2-203420439-A-G.
Other names: short protein forms N684S.
Identifiers: ClinVar variation 4597028 (VCV004597028.1).
Genomic context (GRCh38, chr2:202,555,716, plus strand): 5'-AAACCAACAAGCTAGACCCAAAAGAAGTTGATAAGAACCTCAAGGAAAGCTCTGATGAGA[A>G]TCTCATGGAGCACTCTCTTAAACAGTTCAGTGGCCCAGACCCACTGAGCAGTACTAGTTC-3'
Protein context (NP_001195.2, residues 674-694): DKNLKESSDE[Asn684Ser]LMEHSLKQFS

ClinVar aggregate classification (germline): Uncertain significance (1 of 4 stars; one submission).

Conditions:
Inborn genetic diseases. Identifiers: MedGen C0950123, MeSH D030342.

gnomAD v4.1: 3 of 1,614,138 alleles (0.00019%); highest among the groups gnomAD compares: East Asian, 0.0067%; no homozygotes.

Submission:

Ambry Genetics
Classification: Uncertain significance for Inborn genetic diseases. Last evaluated: 2025-09-20. Review status: criteria provided, single submitter. Criteria: Ambry Variant Classification Scheme 2023. Collection method: clinical testing. Allele origin: germline.
Comment: The p.N684S variant (also known as c.2051A>G), located in coding exon 12 of the BMPR2 gene, results from an A to G substitution at nucleotide position 2051. The asparagine at codon 684 is replaced by serine, an amino acid with highly similar properties. This amino acid position is conserved. In addition, the in silico prediction for this alteration is inconclusive. Based on the available evidence, the clinical significance of this variant remains unclear.